The following is an entry in ClinVar:

ClinVar aggregate classification (germline): Pathogenic (1 of 4 stars; one submission).

Conditions:
Ornithine carbamoyltransferase deficiency (OTCD). Also called: Ornithine Carbamoyltransferase Deficiency Disease; ORNITHINE TRANSCARBAMYLASE DEFICIENCY, HYPERAMMONEMIA DUE TO; ORNITHINE TRANSCARBAMYLASE DEFICIENCY; OTC DEFICIENCY. Identifiers: Orphanet 664, MedGen C0268542, MONDO:0010703, OMIM 311250.

Submission:

Labcorp Genetics (formerly Invitae), Labcorp
Classification: Pathogenic for Ornithine carbamoyltransferase deficiency. Last evaluated: 2022-07-09. Review status: criteria provided, single submitter. Criteria: Invitae Variant Classification Sherloc (09022015). Collection method: clinical testing. Allele origin: germline.
Comment: This variant is a gross deletion of the genomic region encompassing exon(s) 1 of the OTC gene, which includes the initiator codon. This deletion extends beyond the assayed region for this gene and therefore may encompass additional genes. It is expected to result in an absent or disrupted protein product. Loss-of-function variants in OTC are known to be pathogenic (PMID: 10946359, 16786505). A similar copy number variant has been observed in individual(s) with ornithine transcarbamylase (OTC) deficiency (PMID: 20817516). For these reasons, this variant has been classified as Pathogenic.

Literature cited by the submitters: PubMed 10946359; PubMed 16786505; PubMed 20817516.

NC_000023.10:g.(?_38211793)_(38212046_?)del

Gene: OTC (ornithine transcarbamylase; plus strand). Cytogenetic location: Xp11.4.
Variant type: Deletion.
Identifiers: ClinVar variation 2423234 (VCV002423234.4).